The following is an entry in ClinVar:

NM_022772.4(EPS8L2):c.715G>C (p.Glu239Gln)

Gene: EPS8L2 (EPS8 signaling adaptor L2; plus strand). Cytogenetic location: 11p15.5.
Variant type: single nucleotide variant.
Coding change: c.715G>C on transcript NM_022772.4 (MANE Select); coding-DNA position 715, G replaced by C.
Protein change: p.Glu239Gln; replaces glutamic acid 239 with glutamine.
Molecular consequence: missense variant.
Genome position (GRCh38, 1-based): chr11:721,299, G>C. VCF-style: chr11-721299-G-C. GRCh37 (hg19) VCF-style: chr11-721299-G-C.
Other names: c.715G>C (NM_022772.3); short protein forms E239Q.
Identifiers: ClinVar variation 1370217 (VCV001370217.5), dbSNP rs972700955, ClinGen allele CA216939539.
Genomic context (GRCh38, chr11:721,299, plus strand): 5'-GCTCGTTGTGGGGGGCTCGGTGAGCAGCCGCCGTGTCCCCCATCAGGTTTCCGCCGTCGG[G>C]AGTCGCAGGAGGAGCCGCGGGCCGTGCTGGCTCAGAAGATAGAGAAGGAGACGGTGGGTG-3'
Protein context (NP_073609.2, residues 229-249): PLSEPGFRRR[Glu239Gln]SQEEPRAVLA

ClinVar aggregate classification (germline): Uncertain significance. Review status: criteria provided, multiple submitters, no conflicts (2 of 4 stars). 3 submissions from 3 submitters: Uncertain significance (3). Last evaluated 2023-09-12.

Allele frequency attached by ClinVar (database versions not stated): gnomAD 0.00003; gnomAD exomes 0.00003 and 0.00004; TOPMed 0.00003.
gnomAD v4.1: 53 of 1,540,280 alleles (0.0034%); highest among the groups gnomAD compares: Non-Finnish European, 0.0044%; no homozygotes.

Submissions (3):

Ambry Genetics
Classification: Uncertain significance. Last evaluated: 2023-09-12. Review status: criteria provided, single submitter. Criteria: Ambry Variant Classification Scheme 2023. Collection method: clinical testing. Allele origin: germline.

Labcorp Genetics (formerly Invitae), Labcorp
Classification: Uncertain significance. Last evaluated: 2021-11-25. Review status: criteria provided, single submitter. Criteria: Invitae Variant Classification Sherloc (09022015). Collection method: clinical testing. Allele origin: germline.
Comment: This sequence change replaces glutamic acid, which is acidic and polar, with glutamine, which is neutral and polar, at codon 239 of the EPS8L2 protein (p.Glu239Gln). This variant is present in population databases (no rsID available, gnomAD 0.006%). This variant has not been reported in the literature in individuals affected with EPS8L2-related conditions. Algorithms developed to predict the effect of missense changes on protein structure and function (SIFT, PolyPhen-2, Align-GVGD) all suggest that this variant is likely to be tolerated. In summary, the available evidence is currently insufficient to determine the role of this variant in disease. Therefore, it has been classified as a Variant of Uncertain Significance.

Blueprint Genetics
Classification: Uncertain significance. Last evaluated: 2021-09-20. Review status: criteria provided, single submitter. Criteria: ACMG Guidelines, 2015. Collection method: clinical testing. Allele origin: germline.